The following is an entry in ClinVar:

ClinVar aggregate classification (germline): Uncertain significance. Review status: criteria provided, multiple submitters, no conflicts (2 of 4 stars). 2 submissions from 2 submitters: Uncertain significance (2). Last evaluated 2025-05-14.

Conditions:
Inborn genetic diseases. Identifiers: MedGen C0950123, MeSH D030342.
Mucopolysaccharidosis type 6 (MPS6). Also called: MPS 6; Maroteaux Lamy syndrome; MPS VI; N-ACETYLGALACTOSAMINE-4-SULFATASE DEFICIENCY; ARSB DEFICIENCY; ARYLSULFATASE B DEFICIENCY. Identifiers: Orphanet 583, MedGen C0026709, MONDO:0009661, OMIM 253200.

Allele frequency attached by ClinVar (database versions not stated): TOPMed 0.00002; gnomAD 0.00003 and 0.00004; gnomAD exomes 0.00003 and 0.00007; ExAC 0.00005.
gnomAD v4.1: 49 of 1,613,830 alleles (0.003%); highest among the groups gnomAD compares: Admixed American, 0.0033%; no homozygotes.

Submissions (2):

Ambry Genetics
Classification: Uncertain significance for Inborn genetic diseases. Last evaluated: 2025-05-14. Review status: criteria provided, single submitter. Criteria: Ambry Variant Classification Scheme 2023. Collection method: clinical testing. Allele origin: germline.

Labcorp Genetics (formerly Invitae), Labcorp
Classification: Uncertain significance for Mucopolysaccharidosis type 6. Last evaluated: 2022-03-26. Review status: criteria provided, single submitter. Criteria: Invitae Variant Classification Sherloc (09022015). Collection method: clinical testing. Allele origin: germline.
Comment: This sequence change replaces tyrosine, which is neutral and polar, with cysteine, which is neutral and slightly polar, at codon 235 of the ARSB protein (p.Tyr235Cys). This variant is present in population databases (rs745804096, gnomAD 0.1%). This variant has not been reported in the literature in individuals affected with ARSB-related conditions. Advanced modeling of protein sequence and biophysical properties (such as structural, functional, and spatial information, amino acid conservation, physicochemical variation, residue mobility, and thermodynamic stability) performed at Invitae indicates that this missense variant is expected to disrupt ARSB protein function. In summary, the available evidence is currently insufficient to determine the role of this variant in disease. Therefore, it has been classified as a Variant of Uncertain Significance.

NM_000046.5(ARSB):c.704A>G (p.Tyr235Cys)

Gene: ARSB (arylsulfatase B; minus strand). Cytogenetic location: 5q14.1.
Variant type: single nucleotide variant.
Coding change: c.704A>G on transcript NM_000046.5 (MANE Select); coding-DNA position 704, A replaced by G.
Protein change: p.Tyr235Cys; replaces tyrosine 235 with cysteine.
Molecular consequence: missense variant.
Genome position (GRCh38, 1-based): chr5:78,955,489, T>C on the plus strand (A>G on the coding strand, the complement: ARSB is on the minus strand). VCF-style: chr5-78955489-T-C. GRCh37 (hg19) VCF-style: chr5-78251312-T-C.
Other names: c.704A>G, p.Tyr235Cys (NM_198709.3); c.704A>G (NM_000046.3); short protein forms Y235C.
Identifiers: ClinVar variation 1506495 (VCV001506495.5), dbSNP rs745804096, ClinGen allele CA3318192.